The following is an entry in ClinVar:

NM_020184.4(CNNM4):c.2028_2036del (p.Thr678_Ala680del)

Gene: CNNM4 (cyclin and CBS domain divalent metal cation transport mediator 4; plus strand). Cytogenetic location: 2q11.2.
Variant type: Deletion.
Coding change: c.2028_2036del on transcript NM_020184.4 (MANE Select); coding-DNA positions 2028 to 2036, 9 bases deleted (AGCAACCTT; older notation c.2028_2036delAGCAACCTT).
Protein change: p.Thr678_Ala680del.
Molecular consequence: inframe deletion.
Genome position (GRCh38, 1-based): chr2:96,808,640-96,808,648, AGCAACCTT deleted. VCF-style (leftmost placement, unchanged base first): chr2-96808639-CAGCAACCTT-C. GRCh37 (hg19) VCF-style: chr2-97474376-CAGCAACCTT-C.
Identifiers: ClinVar variation 857796 (VCV000857796.7), dbSNP rs764389965, ClinGen allele CA1783549.

ClinVar aggregate classification (germline): Uncertain significance (1 of 4 stars; one submission).

Allele frequency attached by ClinVar (database versions not stated): gnomAD exomes below 0.00001 and 0.00002; TOPMed below 0.00001; ExAC 0.00002.

Submission:

Labcorp Genetics (formerly Invitae), Labcorp
Classification: Uncertain significance. Last evaluated: 2021-08-27. Review status: criteria provided, single submitter. Criteria: Invitae Variant Classification Sherloc (09022015). Collection method: clinical testing. Allele origin: germline.
Comment: This variant, c.2028_2036del, results in the deletion of 3 amino acid(s) of the CNNM4 protein (p.Thr678_Ala680del), but otherwise preserves the integrity of the reading frame. This variant is present in population databases (rs764389965, ExAC 0.003%). This variant has not been reported in the literature in individuals affected with CNNM4-related conditions. Experimental studies and prediction algorithms are not available or were not evaluated, and the functional significance of this variant is currently unknown. In summary, the available evidence is currently insufficient to determine the role of this variant in disease. Therefore, it has been classified as a Variant of Uncertain Significance.